The following is an entry in ClinVar:

ClinVar aggregate classification (germline): Pathogenic (3 of 4 stars; one submission).

Conditions:
Monogenic diabetes. Identifiers: Orphanet 183625, MedGen C3888631, MONDO:0015967.

Submission:

ClinGen Monogenic Diabetes Variant Curation Expert Panel
Classification: Pathogenic for Monogenic diabetes. Last evaluated: 2024-06-09. Review status: reviewed by expert panel. Criteria: ClinGen Diabetes ACMG Specifications HNF4A V2.0.0. Collection method: curation. Allele origin: germline. Inheritance: Autosomal dominant inheritance.
Comment: The c.62C>A variant in the hepatocyte nuclear factor 4 alpha gene, HNF4A, results in a premature termination at codon 21 (p.(Ser21Ter)) of NM_175914.5. This variant is absent from gnomAD v2.1.1 (PM2_Supporting). This variant, located in biologically-relevant exon 2 of 10, is predicted to lead to nonsense mediated decay in a gene in which loss-of-function is an established disease mechanism (PVS1; PMID:23348805). This variant was identified in an individual with a clinical history highly specific for HNF4A-monogenic diabetes (MODY probability calculator result >50%, negative genetic testing for HNF1A, and response to SU) (PP4_Moderate; internal lab contributor). This variant segregated with diabetes with 5 meioses in one family (PP1_Strong; PMID:15830177, internal lab contributor). In summary, c.62C>A meets the criteria to be classified as pathogenic for monogenic diabetes. ACMG/AMP criteria applied, as specified by the ClinGen MDEP VCEP (specification version 2.0.0, approved 10/11/2023): PVS1, PM2_Supporting, PP4_Moderate, PP1_Strong.

NM_175914.5(HNF4A):c.62C>A (p.Ser21Ter)

Gene: HNF4A (hepatocyte nuclear factor 4 alpha; plus strand). Cytogenetic location: 20q13.12.
Variant type: single nucleotide variant.
Coding change: c.62C>A on transcript NM_175914.5 (MANE Select); coding-DNA position 62, C replaced by A.
Protein change: p.Ser21Ter; replaces serine 21 with a stop codon.
Molecular consequence: nonsense.
Genome position (GRCh38, 1-based): chr20:44,406,070, C>A. VCF-style: chr20-44406070-C-A. GRCh37 (hg19) VCF-style: chr20-43034710-C-A.
Other names: NM_175914.5:c.62C>A; c.128C>A, p.Ser43Ter (NM_000457.6, NM_178849.3, NM_178850.3); c.62C>A, p.Ser21Ter (NM_001030003.3, NM_001030004.3); c.107C>A, p.Ser36Ter (NM_001258355.2); c.53C>A, p.Ser18Ter (NM_001287182.2, NM_001287183.2, NM_001287184.2); short protein forms S18*, S21*, S36*, S43*.
Identifiers: ClinVar variation 3238977 (VCV003238977.1), dbSNP rs2515644041.